The following is an entry in ClinVar:

NM_007254.4(PNKP):c.1387-3C>G

Gene: PNKP (polynucleotide kinase 3'-phosphatase; minus strand). Cytogenetic location: 19q13.33.
Variant type: single nucleotide variant.
Coding change: c.1387-3C>G on transcript NM_007254.4 (MANE Select); 3 bases into the intron before coding-DNA position 1387, C replaced by G.
Molecular consequence: intron variant.
Genome position (GRCh38, 1-based): chr19:49,861,513, G>C on the plus strand (C>G on the coding strand, the complement: PNKP is on the minus strand). VCF-style: chr19-49861513-G-C. GRCh37 (hg19) VCF-style: chr19-50364770-G-C.
Identifiers: ClinVar variation 1034619 (VCV001034619.8), dbSNP rs1470343514, ClinGen allele CA633894417.

ClinVar aggregate classification (germline): Conflicting classifications of pathogenicity. Review status: criteria provided, conflicting classifications (1 of 4 stars). 3 submissions from 3 submitters: Likely pathogenic (1); Uncertain significance (2). Last evaluated 2026-04-08.

Conditions:
Developmental and epileptic encephalopathy, 12 (DEE12). Identifiers: MedGen C3150988, MONDO:0013389, OMIM 613722.

Allele frequency attached by ClinVar (database versions not stated): gnomAD 0.00001; TOPMed 0.00005.

Submissions (3):

Women's Health and Genetics/Laboratory Corporation of America, LabCorp
Classification: Uncertain significance. Last evaluated: 2026-04-08. Review status: criteria provided, single submitter. Criteria: LabCorp Variant Classification Summary - May 2015. Collection method: clinical testing. Allele origin: germline.
Comment: Variant summary: PNKP c.1387-3C>G alters a non-conserved nucleotide located close to a canonical splice site and therefore could affect mRNA splicing, leading to a significantly altered protein sequence. Several computational tools predict a significant impact on normal splicing: Five predict the variant abolishes a canonical 3' acceptor site and five predict the variant creates a cryptic 3' acceptor site. However, these predictions have yet to be confirmed by functional studies. The variant allele was found at a frequency of 8e-06 in 250874 control chromosomes. The available data on variant occurrences in the general population are insufficient to allow any conclusion about variant significance. To our knowledge, no occurrence of c.1387-3C>G in individuals affected with PNKP-related conditions and no experimental evidence demonstrating its impact on protein function have been reported. ClinVar contains an entry for this variant (Variation ID: 1034619). Based on the evidence outlined above, the variant was classified as uncertain significance.

GeneDx
Classification: Likely pathogenic. Last evaluated: 2025-05-21. Review status: criteria provided, single submitter. Criteria: GeneDx Variant Classification Process June 2021. Collection method: clinical testing. Allele origin: germline. Affected: yes.
Comment: Not observed at significant frequency in large population cohorts (gnomAD); In silico analysis supports a deleterious effect on splicing; Has not been previously published as pathogenic or benign to our knowledge

Labcorp Genetics (formerly Invitae), Labcorp
Classification: Uncertain significance for Developmental and epileptic encephalopathy, 12. Last evaluated: 2022-07-16. Review status: criteria provided, single submitter. Criteria: Invitae Variant Classification Sherloc (09022015). Collection method: clinical testing. Allele origin: germline.
Comment: ClinVar contains an entry for this variant (Variation ID: 1034619). This sequence change falls in intron 15 of the PNKP gene. It does not directly change the encoded amino acid sequence of the PNKP protein. It affects a nucleotide within the consensus splice site. This variant is present in population databases (no rsID available, gnomAD 0.006%). This variant has not been reported in the literature in individuals affected with PNKP-related conditions. Variants that disrupt the consensus splice site are a relatively common cause of aberrant splicing (PMID: 17576681, 9536098). Algorithms developed to predict the effect of sequence changes on RNA splicing suggest that this variant may disrupt the consensus splice site. In summary, the available evidence is currently insufficient to determine the role of this variant in disease. Therefore, it has been classified as a Variant of Uncertain Significance.

Literature cited by the submitters: PubMed 17576681 (cited by Labcorp Genetics (formerly Invitae), Labcorp); PubMed 9536098 (cited by Labcorp Genetics (formerly Invitae), Labcorp).